The following is an entry in ClinVar:

ClinVar aggregate classification (germline): Uncertain significance (1 of 4 stars; one submission).

Conditions:
Dystonic disorder. Also called: Dystonia. Identifiers: MedGen C0013421, MONDO:0003441, HP:0001332.

gnomAD v4.1: 13 of 1,613,764 alleles (0.00081%); highest among the groups gnomAD compares: Admixed American, 0.022%; no homozygotes.

Submission:

Labcorp Genetics (formerly Invitae), Labcorp
Classification: Uncertain significance for Dystonic disorder. Last evaluated: 2025-07-16. Review status: criteria provided, single submitter. Criteria: Invitae Variant Classification Sherloc (09022015). Collection method: clinical testing. Allele origin: germline.
Comment: This sequence change replaces threonine, which is neutral and polar, with serine, which is neutral and polar, at codon 288 of the CIZ1 protein (p.Thr288Ser). This variant is present in population databases (rs781260393, gnomAD 0.03%). This variant has not been reported in the literature in individuals affected with CIZ1-related conditions. An algorithm developed to predict the effect of missense changes on protein structure and function outputs the following: PolyPhen-2: "Benign". The serine amino acid residue is found in multiple mammalian species, which suggests that this missense change does not adversely affect protein function. In summary, the available evidence is currently insufficient to determine the role of this variant in disease. Therefore, it has been classified as a Variant of Uncertain Significance.

NM_001131016.2(CIZ1):c.862A>T (p.Thr288Ser)

Gene: CIZ1 (CDKN1A interacting zinc finger protein 1; minus strand). Cytogenetic location: 9q34.11.
Variant type: single nucleotide variant.
Coding change: c.862A>T on transcript NM_001131016.2 (MANE Select); coding-DNA position 862, A replaced by T.
Protein change: p.Thr288Ser; replaces threonine 288 with serine.
Molecular consequence: missense variant.
Genome position (GRCh38, 1-based): chr9:128,179,345, T>A on the plus strand (A>T on the coding strand, the complement: CIZ1 is on the minus strand). VCF-style: chr9-128179345-T-A. GRCh37 (hg19) VCF-style: chr9-130941624-T-A.
Other names: c.862A>T, p.Thr288Ser (NM_001131015.2, NM_012127.3); c.847A>T, p.Thr283Ser (NM_001131017.2); c.790A>T, p.Thr264Ser (NM_001131018.2); c.952A>T, p.Thr318Ser (NM_001257975.2); c.559A>T, p.Thr187Ser (NM_001257976.2); short protein forms T187S, T288S, T318S, T264S, T283S.
Identifiers: ClinVar variation 4728579 (VCV004728579.1).